The following is an entry in ClinVar:

NM_000092.5(COL4A4):c.1792C>A (p.Pro598Thr)

Gene: COL4A4 (collagen type IV alpha 4 chain; minus strand). Cytogenetic location: 2q36.3.
Variant type: single nucleotide variant.
Coding change: c.1792C>A on transcript NM_000092.5 (MANE Select); coding-DNA position 1792, C replaced by A.
Protein change: p.Pro598Thr; replaces proline 598 with threonine.
Molecular consequence: missense variant.
Genome position (GRCh38, 1-based): chr2:227,080,454, G>T on the plus strand (C>A on the coding strand, the complement: COL4A4 is on the minus strand). VCF-style: chr2-227080454-G-T. GRCh37 (hg19) VCF-style: chr2-227945170-G-T.
Other names: short protein forms P598T.
Identifiers: ClinVar variation 1312587 (VCV001312587.4), dbSNP rs1411689737, ClinGen allele CA350846851.

ClinVar aggregate classification (germline): Uncertain significance. Review status: criteria provided, multiple submitters, no conflicts (2 of 4 stars). 3 submissions from 3 submitters: Uncertain significance (3). Last evaluated 2026-08-04.

Conditions:
Autosomal recessive Alport syndrome (ATS2). Also called: COL4A4 Alport Syndrome and Thin Basement Membrane Nephropathy; Alport syndrome type 2; COL4A3-Related Nephropathy; ALPORT SYNDROME 2, AUTOSOMAL RECESSIVE. Identifiers: Orphanet 63, Orphanet 88919, MedGen C4746745, MONDO:0008762, OMIM 203780.
Hematuria, benign familial, 1 (BFH1). Also called: THIN MEMBRANE NEPHROPATHY. Identifiers: MedGen CN376803, MONDO:0007709, OMIM 141200.
Inborn genetic diseases. Identifiers: MedGen C0950123, MeSH D030342.

Allele frequency attached by ClinVar (database versions not stated): gnomAD exomes 0.00001; TOPMed below 0.00001; gnomAD 0.00001.
gnomAD v4.1: 4 of 1,613,802 alleles (0.00025%); highest among the groups gnomAD compares: Non-Finnish European, 0.00034%; no homozygotes.

Submissions (3):

Ambry Genetics
Classification: Uncertain significance for Inborn genetic diseases. Last evaluated: 2026-08-04. Review status: criteria provided, single submitter. Criteria: Ambry Variant Classification Scheme 2023. Collection method: clinical testing. Allele origin: germline.

Fulgent Genetics
Classification: Uncertain significance for Hematuria, benign familial, 1; Autosomal recessive Alport syndrome. Last evaluated: 2024-05-21. Review status: criteria provided, single submitter. Criteria: ACMG Guidelines, 2015. Collection method: clinical testing. Allele origin: germline.

GeneDx
Classification: Uncertain significance. Last evaluated: 2021-02-01. Review status: criteria provided, single submitter. Criteria: GeneDx Variant Classification Process June 2021. Collection method: clinical testing. Allele origin: germline. Affected: yes.
Comment: Not observed at a significant frequency in large population cohorts (Lek et al., 2016); In silico analysis supports that this missense variant has a deleterious effect on protein structure/function; Occurs in the triple helical domain at the Y position in the canonical Gly-X-Y repeat; although this variant may have an effect on normal protein folding and function, missense substitution at the Y position is not a common mechanism of disease; Has not been previously published as pathogenic or benign to our knowledge